The following is an entry in ClinVar:

ClinVar aggregate classification (germline): Uncertain significance (1 of 4 stars; one submission).

Conditions:
Hereditary cancer-predisposing syndrome. Also called: Hereditary Cancer Syndrome; Hereditary neoplastic syndrome; Neoplastic Syndromes, Hereditary; Tumor predisposition. Identifiers: Orphanet 140162, MedGen C0027672, MeSH D009386, MONDO:0015356.

Submission:

Ambry Genetics
Classification: Uncertain significance for Hereditary cancer-predisposing syndrome. Last evaluated: 2025-03-31. Review status: criteria provided, single submitter. Criteria: Ambry Variant Classification Scheme 2023. Collection method: clinical testing. Allele origin: germline.
Comment: The p.R976T variant (also known as c.2927G>C), located in coding exon 15 of the APC gene, results from a G to C substitution at nucleotide position 2927. The arginine at codon 976 is replaced by threonine, an amino acid with similar properties. This amino acid position is conserved. In addition, in silico predictors for this gene do not accurately predict pathogenicity. Based on the available evidence, the clinical significance of this variant remains unclear.

NM_000038.6(APC):c.2927G>C (p.Arg976Thr)

Gene: APC (APC regulator of Wnt signaling pathway; plus strand). Cytogenetic location: 5q22.2.
Variant type: single nucleotide variant.
Coding change: c.2927G>C on transcript NM_000038.6 (MANE Select); coding-DNA position 2927, G replaced by C.
Protein change: p.Arg976Thr; replaces arginine 976 with threonine.
Molecular consequence: missense variant. On other transcripts: non-coding transcript variant (2).
Genome position (GRCh38, 1-based): chr5:112,838,521, G>C. VCF-style: chr5-112838521-G-C. GRCh37 (hg19) VCF-style: chr5-112174218-G-C.
Other names: c.2927G>C, p.Arg976Thr (NM_001354895.2, NM_001127510.3, NM_001407450.1); c.2981G>C, p.Arg994Thr (NM_001354896.2, NM_001407447.1, NM_001407448.1 and 1 more transcripts); c.2843G>C, p.Arg948Thr (NM_001354899.2); c.2804G>C, p.Arg935Thr (NM_001354900.2); c.2750G>C, p.Arg917Thr (NM_001354901.2, NM_001407453.1); c.2654G>C, p.Arg885Thr (NM_001354902.2); c.2957G>C, p.Arg986Thr (NM_001354897.2); c.2852G>C, p.Arg951Thr (NM_001354898.2); and 11 more; short protein forms R693T, R966T, R969T, R1004T, R592T, R816T, R847T, R917T.
Identifiers: ClinVar variation 3928449 (VCV003928449.1).
Genomic context (GRCh38, chr5:112,838,521, plus strand): 5'-ACAAGAGATCTTCAAATGATAGTTTAAATAGTGTCAGTAGTAGTGATGGTTATGGTAAAA[G>C]AGGTCAAATGAAACCCTCGATTGAATCCTATTCTGAAGATGATGAAAGTAAGTTTTGCAG-3'
Protein context (NP_000029.2, residues 966-986): SVSSSDGYGK[Arg976Thr]GQMKPSIESY